The following is an entry in ClinVar:

ClinVar aggregate classification (germline): not provided (0 of 4 stars; one submission).

Conditions:
Benign Rolandic epilepsy (BECTS). Also called: TEMPORAL-CENTRAL FOCAL EPILEPSY; Benign rolandic epilepsy (BRE); Benign rolandic epilepsy of childhood (BREC); Benign epilepsy with centro-temporal spikes (BECTS); Benign epilepsy of childhood with centrotemporal spikes (BECCT); CENTRALOPATHIC EPILEPSY. Identifiers: Orphanet 1945, MedGen C2363129, OMIM 117100.

Submission:

GeneReviews
No classification provided. Condition: Benign Rolandic epilepsy. Review status: no classification provided. Collection method: literature only. Allele origin: germline. Affected: yes.
Comment: Uncertain severity

Functional effect: Oocytes: Q2mut, reduced current. No studies of co-expression mimicking heterozygous genotype found in patients

Literature cited by the submitters: PubMed 18625963; NCBI Bookshelf NBK32534.

NM_172107.4(KCNQ2):c.1776C>G (p.Ile592Met)

Gene: KCNQ2 (potassium voltage-gated channel subfamily Q member 2; minus strand). Cytogenetic location: 20q13.33.
Variant type: single nucleotide variant.
Coding change: c.1776C>G on transcript NM_172107.4 (MANE Select); coding-DNA position 1776, C replaced by G.
Protein change: p.Ile592Met; replaces isoleucine 592 with methionine.
Molecular consequence: missense variant.
Genome position (GRCh38, 1-based): chr20:63,408,524, G>C on the plus strand (C>G on the coding strand, the complement: KCNQ2 is on the minus strand). VCF-style: chr20-63408524-G-C. GRCh37 (hg19) VCF-style: chr20-62039877-G-C.
Other names: c.1692C>G, p.Ile564Met (NM_004518.6); c.1722C>G, p.Ile574Met (NM_172106.3); c.1683C>G, p.Ile561Met (NM_172108.5); short protein forms I592M, I561M, I574M, I564M.
Identifiers: ClinVar variation 369810 (VCV000369810.2), dbSNP rs201868078, ClinGen allele CA10654780.